The following is an entry in ClinVar:

NM_006180.6(NTRK2):c.1361T>G (p.Leu454Arg)

Gene: NTRK2 (neurotrophic receptor tyrosine kinase 2; plus strand). Cytogenetic location: 9q21.33.
Variant type: single nucleotide variant.
Coding change: c.1361T>G on transcript NM_006180.6 (MANE Select); coding-DNA position 1361, T replaced by G.
Protein change: p.Leu454Arg; replaces leucine 454 with arginine.
Molecular consequence: missense variant.
Genome position (GRCh38, 1-based): chr9:84,752,050, T>G. VCF-style: chr9-84752050-T-G. GRCh37 (hg19) VCF-style: chr9-87366965-T-G.
Other names: c.1361T>G, p.Leu454Arg (NM_001007097.3, NM_001018064.3, NM_001369539.1 and 16 more transcripts); c.1322T>G, p.Leu441Arg (NM_001369546.1, NM_001291937.2); c.893T>G, p.Leu298Arg (NM_001369550.1, NM_001369551.1, NM_001369552.1 and 2 more transcripts); c.1325T>G, p.Leu442Arg (NM_001369534.1); short protein forms L298R, L441R, L442R, L454R.
Identifiers: ClinVar variation 2820455 (VCV002820455.3), dbSNP rs1181697709, ClinGen allele CA374008445.
Genomic context (GRCh38, chr9:84,752,050, plus strand): 5'-ATGCTGTGGTGGTGATTGCGTCTGTGGTGGGATTTTGCCTTTTGGTAATGCTGTTTCTGC[T>G]TAAGTTGGCAAGACACTCCAAGTTTGGCATGAAAGGTAAGAAGGGTTGTGTTTATTTAGC-3'
Protein context (NP_006171.2, residues 444-464): GFCLLVMLFL[Leu454Arg]KLARHSKFGM

ClinVar aggregate classification (germline): Uncertain significance (1 of 4 stars; one submission).

Allele frequency attached by ClinVar (database versions not stated): gnomAD exomes below 0.00001.
gnomAD v4.1: 1 of 1,614,100 alleles (0.000062%); highest among the groups gnomAD compares: East Asian, 0.0022%; no homozygotes.

Submission:

Labcorp Genetics (formerly Invitae), Labcorp
Classification: Uncertain significance. Last evaluated: 2024-09-05. Review status: criteria provided, single submitter. Criteria: Invitae Variant Classification Sherloc (09022015). Collection method: clinical testing. Allele origin: germline.
Comment: This sequence change replaces leucine, which is neutral and non-polar, with arginine, which is basic and polar, at codon 454 of the NTRK2 protein (p.Leu454Arg). This variant is present in population databases (no rsID available, gnomAD 0.006%). This variant has not been reported in the literature in individuals affected with NTRK2-related conditions. Invitae Evidence Modeling of protein sequence and biophysical properties (such as structural, functional, and spatial information, amino acid conservation, physicochemical variation, residue mobility, and thermodynamic stability) indicates that this missense variant is not expected to disrupt NTRK2 protein function with a negative predictive value of 80%. In summary, the available evidence is currently insufficient to determine the role of this variant in disease. Therefore, it has been classified as a Variant of Uncertain Significance.